The following is an entry in ClinVar:

NM_012418.4(FSCN2):c.1231G>A (p.Val411Ile)

Gene: FSCN2 (fascin actin-bundling protein 2, retinal; plus strand). Cytogenetic location: 17q25.3.
Variant type: single nucleotide variant.
Coding change: c.1231G>A on transcript NM_012418.4 (MANE Select); coding-DNA position 1231, G replaced by A.
Protein change: p.Val411Ile; replaces valine 411 with isoleucine.
Molecular consequence: missense variant.
Genome position (GRCh38, 1-based): chr17:81,536,747, G>A. VCF-style: chr17-81536747-G-A. GRCh37 (hg19) VCF-style: chr17-79503773-G-A.
Other names: c.1303G>A, p.Val435Ile (NM_001077182.3); short protein forms V411I, V435I.
Identifiers: ClinVar variation 1982760 (VCV001982760.4), dbSNP rs772146268, ClinGen allele CA8837048.

ClinVar aggregate classification (germline): Uncertain significance (1 of 4 stars; one submission).

Allele frequency attached by ClinVar (database versions not stated): gnomAD 0.00001; ExAC 0.00002; TOPMed 0.00002.
gnomAD v4.1: 8 of 1,609,976 alleles (0.0005%); highest among the groups gnomAD compares: Admixed American, 0.0017%; no homozygotes.

Submission:

Labcorp Genetics (formerly Invitae), Labcorp
Classification: Uncertain significance. Last evaluated: 2022-10-04. Review status: criteria provided, single submitter. Criteria: Invitae Variant Classification Sherloc (09022015). Collection method: clinical testing. Allele origin: germline.
Comment: Algorithms developed to predict the effect of missense changes on protein structure and function (SIFT, PolyPhen-2, Align-GVGD) all suggest that this variant is likely to be tolerated. In summary, the available evidence is currently insufficient to determine the role of this variant in disease. Therefore, it has been classified as a Variant of Uncertain Significance. This variant has not been reported in the literature in individuals affected with FSCN2-related conditions. The frequency data for this variant in the population databases is considered unreliable, as metrics indicate poor data quality at this position in the gnomAD database. This sequence change replaces valine, which is neutral and non-polar, with isoleucine, which is neutral and non-polar, at codon 435 of the FSCN2 protein (p.Val435Ile).